The following is an entry in ClinVar:

ClinVar aggregate classification (germline): Uncertain significance (1 of 4 stars; one submission).

Submission:

Labcorp Genetics (formerly Invitae), Labcorp
Classification: Uncertain significance. Last evaluated: 2018-08-25. Review status: criteria provided, single submitter. Criteria: Invitae Variant Classification Sherloc (09022015). Collection method: clinical testing. Allele origin: germline.
Comment: This sequence change replaces lysine with methionine at codon 126 of the NTHL1 protein (p.Lys126Met). The lysine residue is moxerately conserved and there is a moderate physicochemical difference between lysine and methionine. This sequence change replaces lysine with methionine at codon 126 of the NTHL1 protein (p.Lys126Met). The lysine residue is moderately conserved and there is a moderate physicochemical difference between lysine and methionine. This variant is not present in population databases (ExAC no frequency). This variant has not been reported in the literature in individuals with NTHL1-related disease. Algorithms developed to predict the effect of sequence changes on RNA splicing suggest that this variant may disrupt the consensus splice site, but this prediction has not been confirmed by published transcriptional studies. In summary, the available evidence is currently insufficient to determine the role of this variant in disease. Therefore, it has been classified as a Variant of Uncertain Significance.

NM_002528.7(NTHL1):c.353A>T (p.Lys118Met)

Gene: NTHL1 (nth like DNA glycosylase 1; minus strand). Cytogenetic location: 16p13.3.
Variant type: single nucleotide variant.
Coding change: c.353A>T on transcript NM_002528.7 (MANE Select); coding-DNA position 353, A replaced by T.
Protein change: p.Lys118Met; replaces lysine 118 with methionine.
Molecular consequence: missense variant. On other transcripts: intron variant (1).
Genome position (GRCh38, 1-based): chr16:2,046,129, T>A on the plus strand (A>T on the coding strand, the complement: NTHL1 is on the minus strand). VCF-style: chr16-2046129-T-A. GRCh37 (hg19) VCF-style: chr16-2096130-T-A.
Other names: c.353A>T, p.Lys118Met (LRG_1366t1, NM_001318193.2); c.24+151A>T (NM_001318194.2); short protein forms K118M.
Identifiers: ClinVar variation 643857 (VCV000643857.7), dbSNP rs1596222426, ClinGen allele CA394295028.
Genomic context (GRCh38, chr16:2,046,129, plus strand): 5'-AGAAAACAAGGACCTTGCTAAGATGGGGGGTCATCTGGGCAGATGGGGCCCCTGCCTACC[T>A]TTGGGGGGGCACTGGAGTCATAGCAGTGCTCAGTCCCCAGATGGTCCACAGGTGCATCCT-3'
Protein context (NP_002519.2, residues 108-128): EHCYDSSAPP[Lys118Met]VRRYQVLLSL